The following is an entry in ClinVar:

ClinVar aggregate classification (germline): Uncertain significance (1 of 4 stars; one submission).

Allele frequency attached by ClinVar (database versions not stated): TOPMed below 0.00001; ExAC 0.00001.

Submission:

Labcorp Genetics (formerly Invitae), Labcorp
Classification: Uncertain significance. Last evaluated: 2021-08-20. Review status: criteria provided, single submitter. Criteria: Invitae Variant Classification Sherloc (09022015). Collection method: clinical testing. Allele origin: germline.
Comment: This sequence change replaces threonine with isoleucine at codon 416 of the CNGB3 protein (p.Thr416Ile). The threonine residue is highly conserved and there is a moderate physicochemical difference between threonine and isoleucine. This variant is present in population databases (rs763781146, ExAC 0.002%). This variant has not been reported in the literature in individuals affected with CNGB3-related conditions. Algorithms developed to predict the effect of missense changes on protein structure and function are either unavailable or do not agree on the potential impact of this missense change (SIFT: "Deleterious"; PolyPhen-2: "Probably Damaging"; Align-GVGD: "Class C0"). In summary, the available evidence is currently insufficient to determine the role of this variant in disease. Therefore, it has been classified as a Variant of Uncertain Significance.

NM_019098.5(CNGB3):c.1247C>T (p.Thr416Ile)

Gene: CNGB3 (cyclic nucleotide gated channel subunit beta 3; minus strand). Cytogenetic location: 8q21.3.
Variant type: single nucleotide variant.
Coding change: c.1247C>T on transcript NM_019098.5 (MANE Select); coding-DNA position 1247, C replaced by T.
Protein change: p.Thr416Ile; replaces threonine 416 with isoleucine.
Molecular consequence: missense variant.
Genome position (GRCh38, 1-based): chr8:86,632,825, G>A on the plus strand (C>T on the coding strand, the complement: CNGB3 is on the minus strand). VCF-style: chr8-86632825-G-A. GRCh37 (hg19) VCF-style: chr8-87645053-G-A.
Other names: short protein forms T416I.
Identifiers: ClinVar variation 863454 (VCV000863454.7), dbSNP rs763781146, ClinGen allele CA4800097.